The following is an entry in ClinVar:

NM_000397.4(CYBB):c.1006G>T (p.Glu336Ter)

Gene: CYBB (cytochrome b-245 beta chain; plus strand). Cytogenetic location: Xp11.4.
Variant type: single nucleotide variant.
Coding change: c.1006G>T on transcript NM_000397.4 (MANE Select); coding-DNA position 1006, G replaced by T.
Protein change: p.Glu336Ter; replaces glutamic acid 336 with a stop codon.
Molecular consequence: nonsense.
Genome position (GRCh38, 1-based): chrX:37,803,985, G>T. VCF-style: chrX-37803985-G-T. GRCh37 (hg19) VCF-style: chrX-37663238-G-T.
Other names: short protein forms E336*.
Identifiers: ClinVar variation 523790 (VCV000523790.2), dbSNP rs1556470794, ClinGen allele CA412977257.

ClinVar aggregate classification (germline): Pathogenic (1 of 4 stars; one submission).

Submission:

GeneDx
Classification: Pathogenic. Last evaluated: 2018-03-21. Review status: criteria provided, single submitter. Criteria: GeneDx Variant Classification (06012015). Collection method: clinical testing. Allele origin: germline. Affected: yes.
Comment: The E336X nonsense variant in the CYBB gene has been reported previously in association with X-linked chronic granulomatous disease (Rae et al., 1998; Di Matteo et al., 2009). This variant is predicted to cause loss of normal protein function either through protein truncation or nonsense-mediated mRNA decay. The variant is not observed in large population cohorts (Lek et al., 2016). In summary, we consider this variant to be pathogenic.